The following is an entry in ClinVar:

NM_001130082.3(PLXNB1):c.3348T>A (p.Asp1116Glu)

Gene: PLXNB1 (plexin B1; minus strand). Cytogenetic location: 3p21.31.
Variant type: single nucleotide variant.
Coding change: c.3348T>A on transcript NM_001130082.3 (MANE Select); coding-DNA position 3348, T replaced by A.
Protein change: p.Asp1116Glu; replaces aspartic acid 1116 with glutamic acid.
Molecular consequence: missense variant.
Genome position (GRCh38, 1-based): chr3:48,417,937, A>T on the plus strand (T>A on the coding strand, the complement: PLXNB1 is on the minus strand). VCF-style: chr3-48417937-A-T. GRCh37 (hg19) VCF-style: chr3-48459346-A-T.
Other names: c.3348T>A, p.Asp1116Glu (NM_002673.6); short protein forms D1116E.
Identifiers: ClinVar variation 2632510 (VCV002632510.1), dbSNP rs2038207611, ClinGen allele CA352638408.

ClinVar aggregate classification (germline): Uncertain significance (1 of 4 stars; one submission).

Conditions:
PLXNB1-related disorder. Also called: PLXNB1-related condition.

Allele frequency attached by ClinVar (database versions not stated): gnomAD 0.00001.
gnomAD v4.1: 2 of 1,612,294 alleles (0.00012%); highest among the groups gnomAD compares: Admixed American, 0.0017%; no homozygotes.

Submission:

PreventionGenetics, part of Exact Sciences
Classification: Uncertain significance for PLXNB1-related condition. Last evaluated: 2023-06-19. Review status: criteria provided, single submitter. Criteria: ACMG Guidelines, 2015. Collection method: clinical testing. Allele origin: germline.
Comment: The PLXNB1 c.3348T>A variant is predicted to result in the amino acid substitution p.Asp1116Glu. To our knowledge, this variant has not been reported in the literature or in a large population database, indicating this variant is rare. At this time, the clinical significance of this variant is uncertain due to the absence of conclusive functional and genetic evidence.